The following is an entry in ClinVar:

NM_020822.3(KCNT1):c.3129A>G (p.Thr1043=)

Gene: KCNT1 (potassium sodium-activated channel subfamily T member 1; plus strand). Cytogenetic location: 9q34.3.
Variant type: single nucleotide variant.
Coding change: c.3129A>G on transcript NM_020822.3 (MANE Select); coding-DNA position 3129, A replaced by G.
Protein change: p.Thr1043=; no amino-acid change (threonine 1043 retained).
Molecular consequence: synonymous variant.
Genome position (GRCh38, 1-based): chr9:135,784,862, A>G. VCF-style: chr9-135784862-A-G. GRCh37 (hg19) VCF-style: chr9-138676708-A-G.
Other names: c.2994A>G, p.Thr998= (NM_001272003.2).
Identifiers: ClinVar variation 2142177 (VCV002142177.6), dbSNP rs747512296, ClinGen allele CA5327620.

ClinVar aggregate classification (germline): Likely benign. Review status: criteria provided, multiple submitters, no conflicts (2 of 4 stars). 2 submissions from 2 submitters: Likely benign (2). Last evaluated 2026-05-01.

Conditions:
Developmental and epileptic encephalopathy, 14 (DEE14). Also called: Early infantile epileptic encephalopathy 14. Identifiers: Orphanet 293181, MedGen C3554195, MONDO:0013989, OMIM 614959.
Autosomal dominant nocturnal frontal lobe epilepsy 5. Also called: KCNT1-Related Epilepsy; CILIARY DYSKINESIA, PRIMARY, 28, WITHOUT SITUS INVERSUS; CILIARY DYSKINESIA, PRIMARY, 28, WITH SITUS INVERSUS; Epilepsy, nocturnal frontal lobe, 5. Identifiers: Orphanet 98784, MedGen C3554306, MONDO:0014002, OMIM 615005.

Allele frequency attached by ClinVar (database versions not stated): gnomAD exomes below 0.00001; TOPMed below 0.00001; ExAC 0.00001; gnomAD 0.00001.
gnomAD v4.1: 6 of 1,612,584 alleles (0.00037%); highest among the groups gnomAD compares: Admixed American, 0.0017%; no homozygotes.

Submissions (2):

CeGaT Center for Human Genetics Tuebingen
Classification: Likely benign. Last evaluated: 2026-05-01. Review status: criteria provided, single submitter. Criteria: CeGaT Center For Human Genetics Tuebingen Variant Classification Criteria Version 2. Collection method: clinical testing. Allele origin: germline. Affected: yes. Observed: 1 variant allele.
Comment: KCNT1: BP4, BP7

Labcorp Genetics (formerly Invitae), Labcorp
Classification: Likely benign for Autosomal dominant nocturnal frontal lobe epilepsy 5; Developmental and epileptic encephalopathy, 14. Last evaluated: 2025-11-17. Review status: criteria provided, single submitter. Criteria: Invitae Variant Classification Sherloc (09022015). Collection method: clinical testing. Allele origin: germline.